The following is an entry in ClinVar:

ClinVar aggregate classification (germline): Conflicting classifications of pathogenicity. Review status: criteria provided, conflicting classifications (1 of 4 stars). 5 submissions from 5 submitters: Uncertain significance (1); Likely benign (3). 1 of the submissions does not count toward it. Last evaluated 2026-05-14.

Conditions:
Inborn genetic diseases. Identifiers: MedGen C0950123, MeSH D030342.
CCDC8-related disorder. Also called: CCDC8-related condition.

Allele frequency attached by ClinVar (database versions not stated): gnomAD 0.00155 and 0.00162; TOPMed 0.00157; ESP Exome Variant Server 0.00185; gnomAD exomes 0.00042; ExAC 0.00053; 1000 Genomes Project 0.00260; 1000 Genomes Project 30x 0.00328.
gnomAD v4.1: 449 of 1,611,342 alleles (0.028%); highest among the groups gnomAD compares: African/African-American, 0.52%; no homozygotes.

Submissions (5):

Women's Health and Genetics/Laboratory Corporation of America, LabCorp
Classification: Likely benign. Last evaluated: 2026-05-14. Review status: criteria provided, single submitter. Criteria: LabCorp Variant Classification Summary - May 2015. Collection method: clinical testing. Allele origin: germline.
Comment: Variant summary: CCDC8 c.876G>T (p.Glu292Asp) results in a conservative amino acid change in the encoded protein sequence. Algorithms developed to predict the effect of missense changes on protein structure and function all suggest that this variant is likely to be tolerated. The variant allele was found at a frequency of 0.00042 in 248814 control chromosomes, predominantly at a frequency of 0.0057 within the African or African-American subpopulation in the gnomAD database. The observed variant frequency within African or African-American control individuals in the gnomAD database exceeds the estimated maximal expected allele frequency for disease-causing variants in CCDC8. To our knowledge, no occurrence of c.876G>T in individuals affected with CCDC8-related conditions and no experimental evidence demonstrating its impact on protein function have been reported. ClinVar contains an entry for this variant (Variation ID: 788025). Based on the evidence outlined above, the variant was classified as likely benign.

Labcorp Genetics (formerly Invitae), Labcorp
Classification: Likely benign. Last evaluated: 2026-01-28. Review status: criteria provided, single submitter. Criteria: Invitae Variant Classification Sherloc (09022015). Collection method: clinical testing. Allele origin: germline.

Ambry Genetics
Classification: Uncertain significance for Inborn genetic diseases. Last evaluated: 2025-08-11. Review status: criteria provided, single submitter. Criteria: Ambry Variant Classification Scheme 2023. Collection method: clinical testing. Allele origin: germline.

Breakthrough Genomics
Classification: Likely benign. Review status: criteria provided, single submitter. Criteria: ACMG Guidelines, 2015. Collection method: not provided. Allele origin: germline. Inheritance: Autosomal recessive inheritance. Affected: yes.

PreventionGenetics, part of Exact Sciences
Classification: Likely benign for CCDC8-related condition. Last evaluated: 2020-04-06. Review status: no assertion criteria provided. Collection method: clinical testing. Allele origin: germline. Not counted in ClinVar's aggregate classification.
Comment: This variant is classified as likely benign based on ACMG/AMP sequence variant interpretation guidelines (Richards et al. 2015 PMID: 25741868, with internal and published modifications).

NM_032040.5(CCDC8):c.876G>T (p.Glu292Asp)

Gene: CCDC8 (coiled-coil domain containing 8 subunit of 3M complex; minus strand). Cytogenetic location: 19q13.32.
Variant type: single nucleotide variant.
Coding change: c.876G>T on transcript NM_032040.5 (MANE Select); coding-DNA position 876, G replaced by T.
Protein change: p.Glu292Asp; replaces glutamic acid 292 with aspartic acid.
Molecular consequence: missense variant.
Genome position (GRCh38, 1-based): chr19:46,411,935, C>A on the plus strand (G>T on the coding strand, the complement: CCDC8 is on the minus strand). VCF-style: chr19-46411935-C-A. GRCh37 (hg19) VCF-style: chr19-46915192-C-A.
Other names: c.876G>T (NM_032040.3); short protein forms E292D.
Identifiers: ClinVar variation 788025 (VCV000788025.14), dbSNP rs145184332, ClinGen allele CA9528596.
Genomic context (GRCh38, chr19:46,411,935, plus strand): 5'-CCGCTGGTCAGCTATGGCCTCTTCCCTTTGACTATCTGCAGCCTCTCCCCCCTGATCAGC[C>A]TCGATGTCTGCCCCCTGACCTGTGGGTGCTGTCTGCTCCTTCCTGCGGCGCCGAAAGGAG-3'
Protein context (NP_114429.2, residues 282-302): TAPTGQGADI[Glu292Asp]ADQGGEAADS